The following is an entry in ClinVar:

ClinVar aggregate classification (germline): Uncertain significance (1 of 4 stars; one submission).

Conditions:
Saldino-Mainzer syndrome (SRTD9). Also called: Renal dysplasia, retinal pigmentary dystrophy, cerebellar ataxia and skeletal dysplasia; CONORENAL SYNDROME; SHORT-RIB THORACIC DYSPLASIA 9 WITHOUT POLYDACTYLY; short-rib thoracic dysplasia 9 with or without polydactyly. Identifiers: Orphanet 140969, MedGen C1849437, MONDO:0009964, OMIM 266920.

Submission:

Labcorp Genetics (formerly Invitae), Labcorp
Classification: Uncertain significance for Saldino-Mainzer syndrome. Last evaluated: 2021-11-02. Review status: criteria provided, single submitter. Criteria: Invitae Variant Classification Sherloc (09022015). Collection method: clinical testing. Allele origin: germline.
Comment: This sequence change replaces lysine, which is basic and polar, with arginine, which is basic and polar, at codon 1318 of the IFT140 protein (p.Lys1318Arg). This variant is not present in population databases (gnomAD no frequency). This variant has not been reported in the literature in individuals affected with IFT140-related conditions. Algorithms developed to predict the effect of missense changes on protein structure and function (SIFT, PolyPhen-2, Align-GVGD) all suggest that this variant is likely to be tolerated. In summary, the available evidence is currently insufficient to determine the role of this variant in disease. Therefore, it has been classified as a Variant of Uncertain Significance.

NM_014714.4(IFT140):c.3953A>G (p.Lys1318Arg)

Gene: IFT140 (intraflagellar transport 140; minus strand). Cytogenetic location: 16p13.3.
Variant type: single nucleotide variant.
Coding change: c.3953A>G on transcript NM_014714.4 (MANE Select); coding-DNA position 3953, A replaced by G.
Protein change: p.Lys1318Arg; replaces lysine 1318 with arginine.
Molecular consequence: missense variant.
Genome position (GRCh38, 1-based): chr16:1,519,968, T>C on the plus strand (A>G on the coding strand, the complement: IFT140 is on the minus strand). VCF-style: chr16-1519968-T-C. GRCh37 (hg19) VCF-style: chr16-1569969-T-C.
Other names: short protein forms K1318R.
Identifiers: ClinVar variation 1436735 (VCV001436735.3), dbSNP rs2141142851, ClinGen allele CA394224042.